The following is an entry in ClinVar:

ClinVar aggregate classification (germline): Pathogenic. Review status: criteria provided, multiple submitters, no conflicts (2 of 4 stars). 6 submissions from 6 submitters: Pathogenic (5). 1 of the submissions does not count toward it. Last evaluated 2025-08-04.

Conditions:
KIF11-related disorder. Also called: KIF11-related condition.
Microcephaly with or without chorioretinopathy, lymphedema, or impaired intellectual development. Also called: Microcephaly lymphedema chorioretinal dysplasia; MICROCEPHALY, LYMPHEDEMA, CHORIORETINAL DYSPLASIA SYNDROME; MICROCEPHALY AND CHORIORETINOPATHY WITH OR WITHOUT MENTAL RETARDATION, AUTOSOMAL DOMINANT; Microcephaly with or without chorioretinopathy, lymphedema, or mental retardation; Microcephaly with or without chorioretinopathy, lymphedema, or intellectual disability. Identifiers: Orphanet 2526, MedGen C1835265, MONDO:0007918, OMIM 152950.

Submissions (6):

PreventionGenetics, part of Exact Sciences
Classification: Pathogenic for KIF11-related condition. Last evaluated: 2025-08-04. Review status: criteria provided, single submitter. Criteria: ACMG Guidelines, 2015. Collection method: clinical testing. Allele origin: germline.
Comment: The KIF11 c.1039_1040delCT variant is predicted to result in a frameshift and premature protein termination (p.Leu347Glufs*8). This variant has been reported in multiple individuals with microcephaly, chorioretinopathy, lymphedema, and intellectual disability (MCLID) syndrome (see for examples: Ostergaard et al. 2012. PubMed ID: 22284827; Balikova et al. 2015. PubMed ID: 25996076; Table S2, Gorukmez et al. 2023. PubMed ID: 36964972). This variant is absent in a large population database (gnomAD), indicating this variant is rare. Frameshift variants in KIF11 are an established mechanism of disease. This variant is interpreted as pathogenic.

GeneDx
Classification: Pathogenic. Last evaluated: 2025-07-23. Review status: criteria provided, single submitter. Criteria: GeneDx Variant Classification Process June 2021. Collection method: clinical testing. Allele origin: germline.
Comment: Frameshift variant predicted to result in protein truncation or nonsense mediated decay in a gene for which loss of function is a known mechanism of disease; Not observed at significant frequency in large population cohorts (gnomAD); This variant is associated with the following publications: (PMID: 34582765, 31299183, 24281367, 32730767, 25996076, 36964972, 22284827)

Blueprint Genetics
Classification: Pathogenic for KIF11-related disorders. Last evaluated: 2022-11-18. Review status: criteria provided, single submitter. Criteria: ACMG Guidelines, 2015. Collection method: clinical testing. Allele origin: germline. Affected: yes. Observed: 2 variant alleles.

Pittsburgh Clinical Genomics Laboratory, University of Pittsburgh Medical Center
Classification: Pathogenic for Microcephaly with or without chorioretinopathy, lymphedema, or impaired intellectual development. Last evaluated: 2022-11-14. Review status: criteria provided, single submitter. Criteria: ACMG Guidelines, 2015. Collection method: clinical testing. Allele origin: germline. Inheritance: Autosomal dominant inheritance. Affected: yes.
Comment: This sequence variant is a deletion of 2 bases (delCT) at coding nucleotides 1039-1040 of the KIF11 gene that results in a premature termition sigl that occurs 8 codons downstream of a frameshift introduced at codon 347. As this change occurs in exon 9 of 22, this variant is predicted to generate a non-functiol allele through the expression of a truncated protein or the loss of KIF11 expression due to nonsense mediated decay. This is a previously reported variant (ClinVar) that has been observed in individuals with microcephaly with or without chorioretinopathy, lymphedema or intellectual disability (PMID: 22284827, 25996076, 24281367) and familial exudative vitreoretinopathy (PMID: 31299183). This variant is absent from the gnomAD population database (0 of approximately 240,000 alleles). Studies examining the functiol consequence of this variant have not been published, to our knowledge. Given this information, we consider this a pathogenic variant. ACMG Criteria: PM2, PP5, PVS1

Labcorp Genetics (formerly Invitae), Labcorp
Classification: Pathogenic. Last evaluated: 2021-07-07. Review status: criteria provided, single submitter. Criteria: Invitae Variant Classification Sherloc (09022015). Collection method: clinical testing. Allele origin: germline.
Comment: This sequence change creates a premature translational stop signal (p.Leu347Glufs*8) in the KIF11 gene. It is expected to result in an absent or disrupted protein product. Loss-of-function variants in KIF11 are known to be pathogenic (PMID: 22284827, 24281367). This variant is not present in population databases (ExAC no frequency). This premature translational stop signal has been observed in individual(s) with clinical features of microcephaly with or without chorioretinopathy, lymphedema, or intellectual disability (PMID: 22284827). ClinVar contains an entry for this variant (Variation ID: 29769). For these reasons, this variant has been classified as Pathogenic.

OMIM
Classification: Pathogenic for MICROCEPHALY WITH OR WITHOUT CHORIORETINOPATHY, LYMPHEDEMA, OR IMPAIRED INTELLECTUAL DEVELOPMENT. Last evaluated: 2012-02-10. Review status: no assertion criteria provided. Collection method: literature only. Allele origin: germline. Not counted in ClinVar's aggregate classification.

Literature cited by the submitters: PubMed 22284827 (cited by 3 submitters); PubMed 24281367 (cited by Pittsburgh Clinical Genomics Laboratory, University of Pittsburgh Medical Center and Labcorp Genetics (formerly Invitae), Labcorp); PubMed 31299183 (cited by Pittsburgh Clinical Genomics Laboratory, University of Pittsburgh Medical Center); PubMed 25996076 (cited by Pittsburgh Clinical Genomics Laboratory, University of Pittsburgh Medical Center).

NM_004523.4(KIF11):c.1039_1040del (p.Leu347fs)

Gene: KIF11 (kinesin family member 11; plus strand). Cytogenetic location: 10q23.33.
Variant type: Microsatellite.
Coding change: c.1039_1040del on transcript NM_004523.4 (MANE Select); coding-DNA positions 1039 to 1040, 2 bases deleted (CT; older notation c.1039_1040delCT).
Protein change: p.Leu347fs; shifts the reading frame from leucine 347.
Molecular consequence: frameshift variant.
Genome position (GRCh38, 1-based): chr10:92,616,743-92,616,744, CT deleted; deleting any 2 consecutive bases within chr10:92,616,741-92,616,744 gives the same sequence; the c. name uses the placement nearest the transcript's 3' end. VCF-style (leftmost placement, unchanged base first): chr10-92616740-ACT-A. GRCh37 (hg19) VCF-style: chr10-94376497-ACT-A.
Other names: c.1039_1040delCT (NM_004523.3); short protein forms L347fs.
Identifiers: ClinVar variation 29769 (VCV000029769.13), dbSNP rs730882061, ClinGen allele CA213012.